The following is an entry in ClinVar:

NM_001042475.3(CEP85L):c.1028C>T (p.Thr343Ile)

Gene: CEP85L (centrosomal protein 85L; minus strand). Cytogenetic location: 6q22.31.
Variant type: single nucleotide variant.
Coding change: c.1028C>T on transcript NM_001042475.3 (MANE Select); coding-DNA position 1028, C replaced by T.
Protein change: p.Thr343Ile; replaces threonine 343 with isoleucine.
Molecular consequence: missense variant.
Genome position (GRCh38, 1-based): chr6:118,523,913, G>A on the plus strand (C>T on the coding strand, the complement: CEP85L is on the minus strand). VCF-style: chr6-118523913-G-A. GRCh37 (hg19) VCF-style: chr6-118845076-G-A.
Other names: c.1037C>T, p.Thr346Ile (NM_001178035.2); c.1028C>T, p.Thr343Ile (NM_206921.3); short protein forms T346I, T343I.
Identifiers: ClinVar variation 4992219 (VCV004992219.1).

ClinVar aggregate classification (germline): Uncertain significance (1 of 4 stars; one submission).

Conditions:
CEP85L-related disorder. Also called: CEP85L-related condition.

gnomAD v4.1: 1 of 1,528,296 alleles (0.000065%); highest among the groups gnomAD compares: Non-Finnish European, 0.00009%; no homozygotes.

Submission:

PreventionGenetics, part of Exact Sciences
Classification: Uncertain significance for CEP85L-related condition. Last evaluated: 2026-04-13. Review status: criteria provided, single submitter. Criteria: ACMG Guidelines, 2015. Collection method: clinical testing. Allele origin: germline.
Comment: The CEP85L c.1037C>T variant is predicted to result in the amino acid substitution p.Thr346Ile. To our knowledge, this variant has not been reported in the literature or in a large population database (gnomAD), indicating this variant is rare. At this time, the clinical significance of this variant is uncertain due to the absence of conclusive functional and genetic evidence.